The following is an entry in ClinVar:

ClinVar aggregate classification (germline): Uncertain significance (1 of 4 stars; one submission).

Conditions:
Polymicrogyria with or without vascular-type Ehlers-Danlos syndrome. Identifiers: Orphanet 636941, MedGen C5193040, MONDO:0032688, OMIM 618343.

Allele frequency attached by ClinVar (database versions not stated): gnomAD exomes below 0.00001.
gnomAD v4.1: 1 of 1,612,630 alleles (0.000062%); highest among the groups gnomAD compares: Non-Finnish European, 0.000085%; no homozygotes.

Submission:

Centre for Mendelian Genomics, University Medical Centre Ljubljana
Classification: Uncertain significance for Polymicrogyria with or without vascular-type Ehlers-Danlos syndrome. Last evaluated: 2019-02-25. Review status: criteria provided, single submitter. Criteria: ACMG Guidelines, 2015. Collection method: clinical testing. Allele origin: unknown. Affected: yes.
Comment: This variant was classified as: Uncertain significance. The available evidence on this variant's pathogenicity is insufficient or conflicting. The following ACMG criteria were applied in classifying this variant: PM2,PP2,BP4.

NM_000090.4(COL3A1):c.509C>T (p.Ala170Val)

Gene: COL3A1 (collagen type III alpha 1 chain; plus strand). Cytogenetic location: 2q32.2.
Variant type: single nucleotide variant.
Coding change: c.509C>T on transcript NM_000090.4 (MANE Select); coding-DNA position 509, C replaced by T.
Protein change: p.Ala170Val; replaces alanine 170 with valine.
Molecular consequence: missense variant.
Genome position (GRCh38, 1-based): chr2:188,987,120, C>T. VCF-style: chr2-188987120-C-T. GRCh37 (hg19) VCF-style: chr2-189851846-C-T.
Other names: short protein forms A170V.
Identifiers: ClinVar variation 931500 (VCV000931500.3), dbSNP rs1688080072, ClinGen allele CA349848160.